The following is an entry in ClinVar:

NM_004168.4(SDHA):c.443C>T (p.Ala148Val)

Gene: SDHA (succinate dehydrogenase complex flavoprotein subunit A; plus strand). Cytogenetic location: 5p15.33.
Variant type: single nucleotide variant.
Coding change: c.443C>T on transcript NM_004168.4 (MANE Select); coding-DNA position 443, C replaced by T.
Protein change: p.Ala148Val; replaces alanine 148 with valine.
Molecular consequence: missense variant. On other transcripts: intron variant (1).
Genome position (GRCh38, 1-based): chr5:225,549, C>T. VCF-style: chr5-225549-C-T. GRCh37 (hg19) VCF-style: chr5-225664-C-T.
Other names: c.443C>T, p.Ala148Val (NM_001330758.2); c.313-334C>T (NM_001294332.2); short protein forms A148V.
Identifiers: ClinVar variation 4839333 (VCV004839333.1).

ClinVar aggregate classification (germline): Uncertain significance (1 of 4 stars; one submission).

Conditions:
Hereditary cancer-predisposing syndrome. Also called: Neoplastic Syndromes, Hereditary; Tumor predisposition; Hereditary Cancer Syndrome; Hereditary neoplastic syndrome. Identifiers: Orphanet 140162, MedGen C0027672, MeSH D009386, MONDO:0015356.

gnomAD v4.1: 1 of 1,613,812 alleles (0.000062%); no homozygotes.

Submission:

Ambry Genetics
Classification: Uncertain significance for Hereditary cancer-predisposing syndrome. Last evaluated: 2026-01-14. Review status: criteria provided, single submitter. Criteria: Ambry Variant Classification Scheme 2023. Collection method: clinical testing. Allele origin: germline.
Comment: The p.A148V variant (also known as c.443C>T), located in coding exon 4 of the SDHA gene, results from a C to T substitution at nucleotide position 443. The alanine at codon 148 is replaced by valine, an amino acid with similar properties. This amino acid position is well conserved in available vertebrate species. In addition, this alteration is predicted to be tolerated by in silico analysis. Based on the available evidence, the clinical significance of this variant remains unclear.